The following is an entry in ClinVar:

ClinVar aggregate classification (germline): Uncertain significance (1 of 4 stars; one submission).

Submission:

Clinical Genomics Laboratory, Laboratory for Precision Diagnostics, University of Washington
Classification: Uncertain significance. Last evaluated: 2024-06-14. Review status: criteria provided, single submitter. Criteria: ACMG/ClinGen CNV Guidelines, 2019. Collection method: clinical testing. Allele origin: unknown. Affected: yes. Observed: 1 variant allele.
Comment: This interstitial duplication is approximately 1.44 Mb in size and affects three protein-coding genes. This is not a known triplosensitive genomic region, but this test cannot distinguish tandem duplications from an insertion of the duplicated material elsewhere in the genome, with potential for pathogenic disruption of genes at the insertion site. The distal breakpoint of the duplication lies within ADGRA3 (NM_145290.4 OMIM 612303) and encompasses at least exons 1-10. The proximal breakpoint lies within intron 2 of PPARGC1A (NM_013261.5 OMIM 604517) and encompasses exons 3-13. It is unknown whether this duplication would disrupt ADGRA3 or PPARGC1A, affect their expression, or form a fusion of these two genes. A review of public databases (ClinVar, DECIPHER) and the medical literature shows no patients with similar duplications. A nearly identical duplication appears at low frequency in gnomAD (DUP_CHR4_7AA8ED66) but not in the Database of Genomic Variants.

GRCh38/hg38 4p15.2(chr4:22425434-23864716)x3

Genes: ADGRA3 (adhesion G protein-coupled receptor A3; minus strand), GBA3 (glucosylceramidase beta 3 (gene/pseudogene); plus strand), MIR12115 (microRNA 12115; plus strand), PPARGC1A (PPARG coactivator 1 alpha; minus strand), PPARGC1A-AS1 (PPARGC1A antisense RNA 1; plus strand) and 9 more. Cytogenetic location: 4p15.2.
Variant type: copy number gain.
Change: copy number 3 (three copies instead of two) of chr4:22,425,434-23,864,716 (1.44 Mb, GRCh38 coordinates, 1-based), cytogenetic band 4p15.2.
Identifiers: ClinVar variation 4974691 (VCV004974691.1).